The following is an entry in ClinVar:

ClinVar aggregate classification (germline): Pathogenic (1 of 4 stars; one submission).

Conditions:
Hereditary cancer-predisposing syndrome. Also called: Neoplastic Syndromes, Hereditary; Tumor predisposition; Hereditary neoplastic syndrome; Hereditary Cancer Syndrome. Identifiers: Orphanet 140162, MedGen C0027672, MeSH D009386, MONDO:0015356.

Submission:

Ambry Genetics
Classification: Pathogenic for Hereditary cancer-predisposing syndrome. Last evaluated: 2022-06-02. Review status: criteria provided, single submitter. Criteria: Ambry Variant Classification Scheme 2023. Collection method: clinical testing. Allele origin: germline.
Comment: The p.Y149* pathogenic mutation (also known as c.447C>A), located in coding exon 5 of the PMS2 gene, results from a C to A substitution at nucleotide position 447. This changes the amino acid from a tyrosine to a stop codon within coding exon 5. This variant is considered to be rare based on population cohorts in the Genome Aggregation Database (gnomAD). This alteration is expected to result in loss of function by premature protein truncation or nonsense-mediated mRNA decay. As such, this alteration is interpreted as a disease-causing mutation.

NM_000535.7(PMS2):c.447C>A (p.Tyr149Ter)

Gene: PMS2 (PMS1 homolog 2, mismatch repair system component; minus strand). Cytogenetic location: 7p22.1.
Variant type: single nucleotide variant.
Coding change: c.447C>A on transcript NM_000535.7 (MANE Select); coding-DNA position 447, C replaced by A.
Protein change: p.Tyr149Ter; replaces tyrosine 149 with a stop codon.
Molecular consequence: nonsense. On other transcripts: 5 prime UTR variant (2), non-coding transcript variant (1).
Genome position (GRCh38, 1-based): chr7:6,002,543, G>T on the plus strand (C>A on the coding strand, the complement: PMS2 is on the minus strand). VCF-style: chr7-6002543-G-T. GRCh37 (hg19) VCF-style: chr7-6042174-G-T.
Other names: c.42C>A, p.Tyr14Ter (NM_001322003.2, NM_001322004.2, NM_001322005.2 and 3 more transcripts); c.447C>A, p.Tyr149Ter (NM_001322006.2, NM_001322014.2); c.129C>A, p.Tyr43Ter (NM_001322007.2, NM_001322008.2); c.-438C>A (NM_001322011.2, NM_001322012.2); c.138C>A, p.Tyr46Ter (NM_001322015.2); short protein forms Y149*, Y14*, Y46*, Y43*.
Identifiers: ClinVar variation 824921 (VCV000824921.4), dbSNP rs1224505288, ClinGen allele CA366744329.